The following is an entry in ClinVar:

NM_005188.4(CBL):c.2482C>G (p.Pro828Ala)

Gene: CBL (Cbl proto-oncogene; plus strand). Cytogenetic location: 11q23.3.
Variant type: single nucleotide variant.
Coding change: c.2482C>G on transcript NM_005188.4 (MANE Select); coding-DNA position 2482, C replaced by G.
Protein change: p.Pro828Ala; replaces proline 828 with alanine.
Molecular consequence: missense variant.
Genome position (GRCh38, 1-based): chr11:119,299,542, C>G. VCF-style: chr11-119299542-C-G. GRCh37 (hg19) VCF-style: chr11-119170252-C-G.
Other names: short protein forms P828A.
Identifiers: ClinVar variation 2664899 (VCV002664899.1), dbSNP rs371026706, ClinGen allele CA382932134.

ClinVar aggregate classification (germline): Uncertain significance (1 of 4 stars; one submission).

Conditions:
CBL-related disorder. Also called: NOONAN SYNDROME-LIKE DISORDER WITHOUT JUVENILE MYELOMONOCYTIC LEUKEMIA; CBL MUTATION-ASSOCIATED SYNDROME; CBL SYNDROME. Identifiers: Orphanet 363972, MedGen C3150803, MONDO:0013308, OMIM 613563.

Submission:

Neuberg Centre For Genomic Medicine, NCGM
Classification: Uncertain significance for CBL-related disorder. Last evaluated: 2023-02-14. Review status: criteria provided, single submitter. Criteria: ACMG Guidelines, 2015. Collection method: clinical testing. Allele origin: germline. Inheritance: Autosomal dominant inheritance. Affected: yes.
Comment: The missense c.2482C>G (p.Pro828Ala) variant in CBL gene has not been reported previously as a pathogenic variant nor as a benign variant, to our knowledge. The variant is novel (not in any individuals) in gnomAD Exomes and 1000 Genomes. The amino acid Proline at position 828 is changed to a Alanine changing protein sequence and it might alter its composition and physico-chemical properties. The variant is predicted as damaging by SIFT. The amino acid change p.Pro828Ala in CBL is predicted as conserved by GERP++ and PhyloP across 100 vertebrates. For these reasons, this variant has been classified as Uncertain Significance.